The following is an entry in ClinVar:

NM_001377.3(DYNC2H1):c.8311+134C>A

Gene: DYNC2H1 (dynein cytoplasmic 2 heavy chain 1; plus strand). Cytogenetic location: 11q22.3.
Variant type: single nucleotide variant.
Coding change: c.8311+134C>A on transcript NM_001377.3 (MANE Select); 134 bases into the intron after coding-DNA position 8311, C replaced by A.
Molecular consequence: intron variant.
Genome position (GRCh38, 1-based): chr11:103,203,910, C>A. VCF-style: chr11-103203910-C-A. GRCh37 (hg19) VCF-style: chr11-103074639-C-A.
Other names: c.8311+134C>A (NM_001080463.2).
Identifiers: ClinVar variation 667721 (VCV000667721.2), dbSNP rs613978, ClinGen allele CA227413094.

ClinVar aggregate classification (germline): Benign. Review status: criteria provided, multiple submitters, no conflicts (2 of 4 stars). 2 submissions from 2 submitters: Benign (2). Last evaluated 2018-06-14.

Allele frequency attached by ClinVar (database versions not stated): 1000 Genomes Project 0.91693; gnomAD exomes 0.91926; 1000 Genomes Project 30x 0.92005; TOPMed 0.92871.
gnomAD v4.1: 562,437 of 609,906 alleles (92%); highest among the groups gnomAD compares: Admixed American, 94%; 259,710 homozygotes.

Submissions (2):

GeneDx
Classification: Benign. Last evaluated: 2018-06-14. Review status: criteria provided, single submitter. Criteria: GeneDx Variant Classification (06012015). Collection method: clinical testing. Allele origin: germline. Affected: yes.
Comment: This variant is considered likely benign or benign based on one or more of the following criteria: it is a conservative change, it occurs at a poorly conserved position in the protein, it is predicted to be benign by multiple in silico algorithms, and/or has population frequency not consistent with disease.

Breakthrough Genomics
Classification: Benign. Review status: criteria provided, single submitter. Criteria: ACMG Guidelines, 2015. Collection method: not provided. Allele origin: germline. Inheritance: Autosomal recessive inheritance. Affected: yes.